The following is an entry in ClinVar:

ClinVar aggregate classification (germline): Likely pathogenic (1 of 4 stars; one submission).

Conditions:
Perlman syndrome (PRLMNS). Identifiers: Orphanet 2849, MedGen C0796113, MONDO:0009965, OMIM 267000.

Submission:

Labcorp Genetics (formerly Invitae), Labcorp
Classification: Likely pathogenic for Perlman syndrome. Last evaluated: 2023-03-22. Review status: criteria provided, single submitter. Criteria: Invitae Variant Classification Sherloc (09022015). Collection method: clinical testing. Allele origin: unknown.
Comment: In summary, the currently available evidence indicates that the variant is pathogenic, but additional data are needed to prove that conclusively. Therefore, this variant has been classified as Likely Pathogenic. This variant has not been reported in the literature in individuals affected with DIS3L2-related conditions. This variant results in a copy number gain of the genomic region encompassing exon(s) 10-16 of the DIS3L2 gene. While the exact position of this variant cannot be determined from the data, sub-genic copy number gains are generally in tandem (PMID: 25640679). This variant is predicted to be out-of-frame, and may result in an absent or disrupted protein product. Loss-of-function variants in DIS3L2 are known to be pathogenic (PMID: 22306653, 28328139).

Literature cited by the submitters: PubMed 25640679; PubMed 22306653; PubMed 28328139.

NC_000002.11:g.(?_233075026)_(233195496_?)dup

Gene: DIS3L2 (DIS3 like 3'-5' exoribonuclease 2; plus strand). Cytogenetic location: 2q37.1.
Variant type: Duplication.
Identifiers: ClinVar variation 3247213 (VCV003247213.1).